The following is an entry in ClinVar:

ClinVar aggregate classification (germline): Uncertain significance (1 of 4 stars; one submission).

Submission:

Labcorp Genetics (formerly Invitae), Labcorp
Classification: Uncertain significance. Last evaluated: 2023-11-24. Review status: criteria provided, single submitter. Criteria: Invitae Variant Classification Sherloc (09022015). Collection method: clinical testing. Allele origin: germline.
Comment: This variant, c.43_45del, results in the deletion of 1 amino acid(s) of the FAR1 protein (p.Leu15del), but otherwise preserves the integrity of the reading frame. This variant is not present in population databases (gnomAD no frequency). This variant has not been reported in the literature in individuals affected with FAR1-related conditions. Experimental studies and prediction algorithms are not available or were not evaluated, and the functional significance of this variant is currently unknown. In summary, the available evidence is currently insufficient to determine the role of this variant in disease. Therefore, it has been classified as a Variant of Uncertain Significance.

NM_032228.6(FAR1):c.40CTC[1] (p.Leu15del)

Gene: FAR1 (fatty acyl-CoA reductase 1; plus strand). Cytogenetic location: 11p15.3.
Variant type: Microsatellite.
Coding change: c.40CTC[1] on transcript NM_032228.6 (MANE Select); one copy of the 3-base unit CTC starting at c.40; the reference has two copies in a row; one copy, 3 bases deleted.
Protein change: p.Leu15del; deletes leucine 15.
Molecular consequence: inframe deletion.
Genome position (GRCh38, 1-based): chr11:13,694,808-13,694,810, CTC deleted; deleting any 3 consecutive bases within chr11:13,694,803-13,694,810 gives the same sequence; the position shown is the placement nearest the transcript's 3' end. VCF-style (leftmost placement, unchanged base first): chr11-13694802-GTCC-G. GRCh37 (hg19) VCF-style: chr11-13716349-GTCC-G.
Other names: short protein forms L15del.
Identifiers: ClinVar variation 2764260 (VCV002764260.3), dbSNP rs2500103835, ClinGen allele CA2697548432.